The following is an entry in ClinVar:

NM_001987.5(ETV6):c.617A>G (p.Asp206Gly)

Gene: ETV6 (ETS variant transcription factor 6; plus strand). Cytogenetic location: 12p13.2.
Variant type: single nucleotide variant.
Coding change: c.617A>G on transcript NM_001987.5 (MANE Select); coding-DNA position 617, A replaced by G.
Protein change: p.Asp206Gly; replaces aspartic acid 206 with glycine.
Molecular consequence: missense variant.
Genome position (GRCh38, 1-based): chr12:11,869,577, A>G. VCF-style: chr12-11869577-A-G. GRCh37 (hg19) VCF-style: chr12-12022511-A-G.
Other names: c.614A>G, p.Asp205Gly (NM_001413913.1); c.590A>G, p.Asp197Gly (NM_001413914.1); c.353A>G, p.Asp118Gly (NM_001413915.1); c.617A>G, p.Asp206Gly (NM_001413916.1, NM_001413917.1); short protein forms D205G, D206G, D118G, D197G.
Identifiers: ClinVar variation 3846526 (VCV003846526.1).

ClinVar aggregate classification (germline): Uncertain significance (1 of 4 stars; one submission).

Conditions:
Inborn genetic diseases. Identifiers: MedGen C0950123, MeSH D030342.

gnomAD v4.1: 3 of 1,614,134 alleles (0.00019%); highest among the groups gnomAD compares: Non-Finnish European, 0.00025%; no homozygotes.

Submission:

Ambry Genetics
Classification: Uncertain significance for Inborn genetic diseases. Last evaluated: 2025-02-02. Review status: criteria provided, single submitter. Criteria: Ambry Variant Classification Scheme 2023. Collection method: clinical testing. Allele origin: germline.
Comment: The p.D206G variant (also known as c.617A>G), located in coding exon 5 of the ETV6 gene, results from an A to G substitution at nucleotide position 617. The aspartic acid at codon 206 is replaced by glycine, an amino acid with similar properties. This amino acid position is conserved. In addition, this alteration is predicted to be tolerated by in silico analysis. Based on the available evidence, the clinical significance of this variant remains unclear.